The following is an entry in ClinVar:

NR_003051.3(RMRP):n.-5delGinsCTCTGTGAAGCTGAGA

Gene: RMRP (RNA component of mitochondrial RNA processing endoribonuclease; minus strand). Cytogenetic location: 9p13.3.
Variant type: Indel.
Genome position: GRCh38 VCF-style: chr9-35658023-C-TCTCAGCTTCACAGAG. GRCh37 (hg19) VCF-style: chr9-35658020-C-TCTCAGCTTCACAGAG.
Identifiers: ClinVar variation 4817193 (VCV004817193.1).
Genomic context (GRCh38, chr9:35,658,023, plus strand): 5'-GGGGAGGAACAGAGTCCTCAGTGTGTAGCCTAGGATACAGGCCTTCAGCACGAACCACGT[C>TCTCAGCTTCACAGAG]CTCAGCTTCACAGAGTAGTATTTTATAGCCCTAAAGAAATTGTGTTTTATGATTAGGGTG-3'

ClinVar aggregate classification (germline): Likely pathogenic (1 of 4 stars; one submission).

Conditions:
Metaphyseal chondrodysplasia, McKusick type (CHH). Also called: Cartilage-hair hypoplasia; Cartilage-Hair Hypoplasia (CHH). Identifiers: Orphanet 175, MedGen C0220748, MONDO:0009595, OMIM 250250.

Submission:

Natera, Inc.
Classification: Likely pathogenic for Cartilage-hair hypoplasia. Last evaluated: 2024-04-05. Review status: criteria provided, single submitter. Criteria: Natera Variant Classification Schema (03/2026). Collection method: clinical testing. Allele origin: germline.
Comment: The n.-5delGinsCTCTGTGAAGCTGAGA variant in RMRP is an insertion affecting the RMRP promoter region between the TATA box and the transcription initiation site. Other duplications and insertions just upstream of the transcription initiation site have been reported in individuals affected with cartilage-hair hypoplasia (PMID: 11207361, 17937437). This variant is rare in the general population with a frequency below the threshold expected for the associated phenotype(s). Given the available evidence, this variant is classified as Likely pathogenic.

Literature cited by the submitters: PubMed 11207361; PubMed 17937437.